The following is an entry in ClinVar:

ClinVar aggregate classification (germline): Uncertain significance (1 of 4 stars; one submission).

Conditions:
Hypertrophic cardiomyopathy. Also called: HYPERTROPHIC MYOCARDIOPATHY. Identifiers: Orphanet 217569, MedGen C0007194, MeSH D002312, MONDO:0005045, HP:0001639.

Submission:

Labcorp Genetics (formerly Invitae), Labcorp
Classification: Uncertain significance for Hypertrophic cardiomyopathy. Last evaluated: 2022-03-02. Review status: criteria provided, single submitter. Criteria: Invitae Variant Classification Sherloc (09022015). Collection method: clinical testing. Allele origin: germline.
Comment: In summary, the available evidence is currently insufficient to determine the role of this variant in disease. Therefore, it has been classified as a Variant of Uncertain Significance. Algorithms developed to predict the effect of sequence changes on RNA splicing suggest that this variant may create or strengthen a splice site. Algorithms developed to predict the effect of missense changes on protein structure and function are either unavailable or do not agree on the potential impact of this missense change (SIFT: "Deleterious"; PolyPhen-2: "Possibly Damaging"; Align-GVGD: "Class C0"). This variant has not been reported in the literature in individuals affected with MYH7-related conditions. This variant is not present in population databases (gnomAD no frequency). This sequence change replaces lysine, which is basic and polar, with threonine, which is neutral and polar, at codon 1451 of the MYH7 protein (p.Lys1451Thr).

NM_000257.4(MYH7):c.4352A>C (p.Lys1451Thr)

Genes: MHRT (myosin heavy chain associated RNA transcript; plus strand), MYH7 (myosin heavy chain 7; minus strand). Cytogenetic location: 14q11.2.
Variant type: single nucleotide variant.
Coding change: c.4352A>C on transcript NM_000257.4 (MANE Select); coding-DNA position 4352, A replaced by C.
Protein change: p.Lys1451Thr; replaces lysine 1451 with threonine.
Molecular consequence: missense variant.
Genome position (GRCh38, 1-based): chr14:23,417,504, T>G on the plus strand (A>C on the coding strand, the complement: MYH7 is on the minus strand). VCF-style: chr14-23417504-T-G. GRCh37 (hg19) VCF-style: chr14-23886713-T-G.
Other names: c.4352A>C, p.Lys1451Thr (NM_001407004.1); short protein forms K1451T.
Identifiers: ClinVar variation 2105624 (VCV002105624.4), dbSNP rs2502251379, ClinGen allele CA389039982.
Genomic context (GRCh38, chr14:23,417,504, plus strand): 5'-CTGAACCCCTCATGCCCCCTTGCCCTGCATGCTGGCTGCGGCCCCCACCCAGGGCCCACC[T>G]TGTCGAAGTTCCTCTGCTTCTTGTCCAGGGCTGCAGCAGCAGCATTGGAGCGCTCTACGT-3'
Protein context (NP_000248.2, residues 1441-1461): ALDKKQRNFD[Lys1451Thr]ILAEWKQKYE